The following is an entry in ClinVar:

NM_144687.4(NLRP12):c.1462G>T (p.Gly488Trp)

Gene: NLRP12 (NLR family pyrin domain containing 12; minus strand). Cytogenetic location: 19q13.42.
Variant type: single nucleotide variant.
Coding change: c.1462G>T on transcript NM_144687.4 (MANE Select); coding-DNA position 1462, G replaced by T.
Protein change: p.Gly488Trp; replaces glycine 488 with tryptophan.
Molecular consequence: missense variant.
Genome position (GRCh38, 1-based): chr19:53,810,197, C>A on the plus strand (G>T on the coding strand, the complement: NLRP12 is on the minus strand). VCF-style: chr19-53810197-C-A. GRCh37 (hg19) VCF-style: chr19-54313451-C-A.
Other names: c.1462G>T, p.Gly488Trp (NM_001277126.2, NM_001277129.1); short protein forms G488W.
Identifiers: ClinVar variation 2281788 (VCV002281788.3), dbSNP rs368949737, ClinGen allele CA9639422.
Genomic context (GRCh38, chr19:53,810,197, plus strand): 5'-TCTCACAGTTGATGTCCTTCTGGAAGATGTTCATGTTGAGGAAGGCAGAGACGTCTTCCC[C>A]GTCTAGGCCGTGCTTCCGGAGGTCCTGCTCCTCAAATAGGATTTTCTGATTCCAGAGCCC-3'
Protein context (NP_653288.1, residues 478-498): EQDLRKHGLD[Gly488Trp]EDVSAFLNMN

ClinVar aggregate classification (germline): Uncertain significance. Review status: criteria provided, multiple submitters, no conflicts (2 of 4 stars). 2 submissions from 2 submitters: Uncertain significance (2). Last evaluated 2023-10-26.

Conditions:
Inborn genetic diseases. Identifiers: MedGen C0950123, MeSH D030342.

Allele frequency attached by ClinVar (database versions not stated): ESP Exome Variant Server 0.00008.
gnomAD v4.1: 27 of 1,614,060 alleles (0.0017%); highest among the groups gnomAD compares: African/African-American, 0.0067%; no homozygotes.

Submissions (2):

Women's Health and Genetics/Laboratory Corporation of America, LabCorp
Classification: Uncertain significance. Last evaluated: 2023-10-26. Review status: criteria provided, single submitter. Criteria: LabCorp Variant Classification Summary - May 2015. Collection method: clinical testing. Allele origin: germline.
Comment: Variant summary: NLRP12 c.1462G>T (p.Gly488Trp) results in a non-conservative amino acid change located in the NACHT nucleoside triphosphatase domain (IPR007111) of the encoded protein sequence. Three of five in-silico tools predict a damaging effect of the variant on protein function. The variant allele was found at a frequency of 1.6e-05 in 251490 control chromosomes. The available data on variant occurrences in the general population are insufficient to allow any conclusion about variant significance. To our knowledge, no occurrence of c.1462G>T in individuals affected with Familial Cold Autoinflammatory Syndrome 2 and no experimental evidence demonstrating its impact on protein function have been reported. One submitter has cited clinical-significance assessments for this variant to ClinVar after 2014 and has classified the variant as uncertain significance. Based on the evidence outlined above, the variant was classified as uncertain significance.

Ambry Genetics
Classification: Uncertain significance for Inborn genetic diseases. Last evaluated: 2022-04-07. Review status: criteria provided, single submitter. Criteria: Ambry Variant Classification Scheme 2023. Collection method: clinical testing. Allele origin: germline.